The following is an entry in ClinVar:

ClinVar aggregate classification (germline): Uncertain significance (1 of 4 stars; one submission).

Allele frequency attached by ClinVar (database versions not stated): gnomAD exomes below 0.00001; TOPMed below 0.00001; gnomAD 0.00001.
gnomAD v4.1: 7 of 1,614,090 alleles (0.00043%); highest among the groups gnomAD compares: Non-Finnish European, 0.00059%; no homozygotes.

Submission:

CeGaT Center for Human Genetics Tuebingen
Classification: Uncertain significance. Last evaluated: 2022-10-01. Review status: criteria provided, single submitter. Criteria: CeGaT Center For Human Genetics Tuebingen Variant Classification Criteria Version 2. Collection method: clinical testing. Allele origin: germline. Affected: yes. Observed: 1 variant allele.
Comment: CSF3R: PM2, BP4

NM_000760.4(CSF3R):c.2128G>A (p.Glu710Lys)

Gene: CSF3R (colony stimulating factor 3 receptor; minus strand). Cytogenetic location: 1p34.3.
Variant type: single nucleotide variant.
Coding change: c.2128G>A on transcript NM_000760.4 (MANE Select); coding-DNA position 2128, G replaced by A.
Protein change: p.Glu710Lys; replaces glutamic acid 710 with lysine.
Molecular consequence: missense variant.
Genome position (GRCh38, 1-based): chr1:36,466,740, C>T on the plus strand (G>A on the coding strand, the complement: CSF3R is on the minus strand). VCF-style: chr1-36466740-C-T. GRCh37 (hg19) VCF-style: chr1-36932341-C-T.
Other names: c.2209G>A, p.Glu737Lys (NM_156039.3); c.2128G>A, p.Glu710Lys (NM_172313.3); short protein forms E710K, E737K.
Identifiers: ClinVar variation 1879084 (VCV001879084.29), dbSNP rs1239590784, ClinGen allele CA339415074.